The following is an entry in ClinVar:

ClinVar aggregate classification (germline): Likely benign. Review status: criteria provided, multiple submitters, no conflicts (2 of 4 stars). 3 submissions from 3 submitters: Likely benign (3). Last evaluated 2025-09-02.

Conditions:
Cardiovascular phenotype. Identifiers: MedGen CN230736.
Catecholaminergic polymorphic ventricular tachycardia (CVPT). Also called: Catecholamine-induced polymorphic ventricular tachycardia. Identifiers: Orphanet 3286, MedGen C5574922, MONDO:0017990.
Catecholaminergic polymorphic ventricular tachycardia 1. Also called: VENTRICULAR TACHYCARDIA, STRESS-INDUCED POLYMORPHIC 1; VENTRICULAR TACHYCARDIA, CATECHOLAMINERGIC POLYMORPHIC, 1, WITH OR WITHOUT ATRIAL DYSFUNCTION AND/OR DILATED CARDIOMYOPATHY; RYR2-Related Catecholaminergic Polymorphic Ventricular Tachycardia. Identifiers: Orphanet 3286, MedGen C1631597, MONDO:0011484, OMIM 604772.

gnomAD v4.1: 9 of 1,613,590 alleles (0.00056%); highest among the groups gnomAD compares: Admixed American, 0.0083%; no homozygotes.

Submissions (3):

Labcorp Genetics (formerly Invitae), Labcorp
Classification: Likely benign for Catecholaminergic polymorphic ventricular tachycardia 1. Last evaluated: 2025-09-02. Review status: criteria provided, single submitter. Criteria: Invitae Variant Classification Sherloc (09022015). Collection method: clinical testing. Allele origin: germline.

Ambry Genetics
Classification: Likely benign for Cardiovascular phenotype. Last evaluated: 2024-05-11. Review status: criteria provided, single submitter. Criteria: Ambry Variant Classification Scheme 2023. Collection method: clinical testing. Allele origin: germline.

All of Us Research Program, National Institutes of Health
Classification: Likely benign for Catecholaminergic polymorphic ventricular tachycardia. Last evaluated: 2023-04-10. Review status: criteria provided, single submitter. Criteria: ACMG Guidelines, 2015. Collection method: clinical testing. Allele origin: germline. Inheritance: Autosomal dominant inheritance. Observed: 1 variant allele, 1 heterozygote.
Comment: This study involves interpretation of variants in research participants for the purpose of population health screening. Participant phenotype was not available at the time of variant classification. Additional details can be found in publication PMID: 35346344, PMCID: PMC8962531

NM_001035.3(RYR2):c.14493C>A (p.Ile4831=)

Gene: RYR2 (ryanodine receptor 2; plus strand). Cytogenetic location: 1q43.
Variant type: single nucleotide variant.
Coding change: c.14493C>A on transcript NM_001035.3 (MANE Select); coding-DNA position 14493, C replaced by A.
Protein change: p.Ile4831=; no amino-acid change (isoleucine 4831 retained).
Molecular consequence: synonymous variant.
Genome position (GRCh38, 1-based): chr1:237,819,095, C>A. VCF-style: chr1-237819095-C-A. GRCh37 (hg19) VCF-style: chr1-237982395-C-A.
Other names: c.14493C>A (NM_001035.2).
Identifiers: ClinVar variation 2202168 (VCV002202168.6), dbSNP rs375456172, ClinGen allele CA424051791.